The following is an entry in ClinVar:

NM_007194.4(CHEK2):c.254C>A (p.Pro85His)

Gene: CHEK2 (checkpoint kinase 2; minus strand). Cytogenetic location: 22q12.1.
Variant type: single nucleotide variant.
Coding change: c.254C>A on transcript NM_007194.4 (MANE Select); coding-DNA position 254, C replaced by A.
Protein change: p.Pro85His; replaces proline 85 with histidine.
Molecular consequence: missense variant.
Genome position (GRCh38, 1-based): chr22:28,734,468, G>T on the plus strand (C>A on the coding strand, the complement: CHEK2 is on the minus strand). VCF-style: chr22-28734468-G-T. GRCh37 (hg19) VCF-style: chr22-29130456-G-T.
Other names: p.Pro85His; c.254C>A, p.Pro85His (NM_001005735.3, NM_001349956.3, NM_145862.3); c.-524C>A (NM_001257387.3); short protein forms P85H.
Identifiers: ClinVar variation 460819 (VCV000460819.18), dbSNP rs17883862, ClinGen allele CA411090550.
Genomic context (GRCh38, chr22:28,734,468, plus strand): 5'-TTGGCAAATCCATCCTGAAGGGCCCATAATCGAGCCCAGGGGGCAGGGGTAGGCTCCTCA[G>T]GTTCTTGGTCCTCAGGTTCTTGGTCCTCAGGAATAGAATAGAGTTCCTGAGTGGACACTG-3'
Protein context (NP_009125.1, residues 75-95): PEDQEPEDQE[Pro85His]EEPTPAPWAR

ClinVar aggregate classification (germline): Uncertain significance. Review status: criteria provided, multiple submitters, no conflicts (2 of 4 stars). 6 submissions from 6 submitters: Uncertain significance (6). Last evaluated 2025-10-29.

Conditions:
Hereditary cancer-predisposing syndrome. Also called: Neoplastic Syndromes, Hereditary; Tumor predisposition; Hereditary Cancer Syndrome; Hereditary neoplastic syndrome. Identifiers: Orphanet 140162, MedGen C0027672, MeSH D009386, MONDO:0015356.
Familial cancer of breast. Also called: BREAST CANCER, FAMILIAL; hereditary breast carcinoma; Hereditary breast cancer. Identifiers: Orphanet 227535, MedGen C0346153, MONDO:0016419, OMIM 114480. Disease mechanism: loss of function.

Allele frequency attached by ClinVar (database versions not stated): TOPMed 0.00001.

Submissions (6):

Labcorp Genetics (formerly Invitae), Labcorp
Classification: Uncertain significance for Familial cancer of breast. Last evaluated: 2025-10-29. Review status: criteria provided, single submitter. Criteria: Invitae Variant Classification Sherloc (09022015). Collection method: clinical testing. Allele origin: germline.
Comment: This sequence change replaces proline, which is neutral and non-polar, with histidine, which is basic and polar, at codon 85 of the CHEK2 protein (p.Pro85His). This variant is not present in population databases (gnomAD no frequency). This variant has not been reported in the literature in individuals affected with CHEK2-related conditions. ClinVar contains an entry for this variant (Variation ID: 460819). An algorithm developed to predict the effect of missense changes on protein structure and function (PolyPhen-2) suggests that this variant is likely to be disruptive. In summary, the available evidence is currently insufficient to determine the role of this variant in disease. Therefore, it has been classified as a Variant of Uncertain Significance.

Ambry Genetics
Classification: Uncertain significance for Hereditary cancer-predisposing syndrome. Last evaluated: 2024-09-06. Review status: criteria provided, single submitter. Criteria: Ambry Variant Classification Scheme 2023. Collection method: clinical testing. Allele origin: germline.
Comment: The p.P85H variant (also known as c.254C>A), located in coding exon 1 of the CHEK2 gene, results from a C to A substitution at nucleotide position 254. The proline at codon 85 is replaced by histidine, an amino acid with similar properties. This amino acid position is highly conserved in available vertebrate species. In addition, the in silico prediction for this alteration is inconclusive. Based on the available evidence, the clinical significance of this variant remains unclear.

Mayo Clinic Laboratories, Mayo Clinic
Classification: Uncertain significance. Last evaluated: 2024-02-12. Review status: criteria provided, single submitter. Criteria: ACMG Guidelines, 2015. Collection method: clinical testing. Allele origin: germline. Observed: 1 variant allele.
Comment: BP4, PM2_moderate

Baylor Genetics
Classification: Uncertain significance for Familial cancer of breast. Last evaluated: 2023-12-29. Review status: criteria provided, single submitter. Criteria: ACMG Guidelines, 2015. Collection method: clinical testing. Allele origin: unknown.

Genetic Services Laboratory, University of Chicago
Classification: Uncertain significance. Last evaluated: 2019-07-12. Review status: criteria provided, single submitter. Criteria: ACMG Guidelines, 2015. Collection method: clinical testing. Allele origin: germline. Affected: no.

Color Diagnostics, LLC DBA Color Health
Classification: Uncertain significance for Hereditary cancer-predisposing syndrome. Last evaluated: 2019-05-30. Review status: criteria provided, single submitter. Criteria: ACMG Guidelines, 2015. Collection method: clinical testing. Allele origin: germline.

Literature cited by the submitters: PubMed 36898365 (cited by Mayo Clinic Laboratories, Mayo Clinic).